The following is an entry in ClinVar:

ClinVar aggregate classification (germline): Uncertain significance (1 of 4 stars; one submission).

Submission:

Ambry Genetics
Classification: Uncertain significance. Last evaluated: 2024-12-16. Review status: criteria provided, single submitter. Criteria: Ambry Variant Classification Scheme 2023. Collection method: clinical testing. Allele origin: germline.
Comment: The p.G183R variant (also known as c.547G>A), located in coding exon 3 of the GFI1 gene, results from a G to A substitution at nucleotide position 547. The glycine at codon 183 is replaced by arginine, an amino acid with dissimilar properties. This amino acid position is conserved. In addition, this alteration is predicted to be tolerated by in silico analysis. Based on the available evidence, the clinical significance of this variant remains unclear.

NM_005263.5(GFI1):c.547G>A (p.Gly183Arg)

Gene: GFI1 (growth factor independent 1 transcriptional repressor; minus strand). Cytogenetic location: 1p22.1.
Variant type: single nucleotide variant.
Coding change: c.547G>A on transcript NM_005263.5 (MANE Select); coding-DNA position 547, G replaced by A.
Protein change: p.Gly183Arg; replaces glycine 183 with arginine.
Molecular consequence: missense variant.
Genome position (GRCh38, 1-based): chr1:92,480,840, C>T on the plus strand (G>A on the coding strand, the complement: GFI1 is on the minus strand). VCF-style: chr1-92480840-C-T. GRCh37 (hg19) VCF-style: chr1-92946397-C-T.
Other names: c.547G>A, p.Gly183Arg (NM_001127215.3, NM_001127216.3); short protein forms G183R.
Identifiers: ClinVar variation 3853654 (VCV003853654.1).